The following is an entry in ClinVar:

NM_004369.4(COL6A3):c.9160_9163dup (p.His3055fs)

Gene: COL6A3 (collagen type VI alpha 3 chain; minus strand). Cytogenetic location: 2q37.3.
Variant type: Duplication.
Coding change: c.9160_9163dup on transcript NM_004369.4 (MANE Select); coding-DNA positions 9160 to 9163, 4 bases duplicated (TACC; older notation c.9160_9163dupTACC).
Protein change: p.His3055fs; shifts the reading frame from histidine 3055.
Molecular consequence: frameshift variant.
Genome position (GRCh38, 1-based): chr2:237,334,692-237,334,695, GGTA duplicated on the plus strand (TACC on the coding strand, the reverse complement: COL6A3 is on the minus strand). VCF-style (leftmost placement, unchanged base first): chr2-237334691-T-TGGTA. GRCh37 (hg19) VCF-style: chr2-238243334-T-TGGTA.
Other names: c.7339_7342dup, p.His2448fs (NM_057166.5); c.8542_8545dup, p.His2849fs (NM_057167.4); short protein forms H2448fs, H2849fs, H3055fs.
Identifiers: ClinVar variation 1397705 (VCV001397705.6), dbSNP rs2106312317, ClinGen allele CA2573135626.

ClinVar aggregate classification (germline): Pathogenic (1 of 4 stars; one submission).

Conditions:
Bethlem myopathy 1A. Also called: Bethlem myopathy 1; Bethlem Muscular Dystrophy; MYOPATHY, BENIGN CONGENITAL, WITH CONTRACTURES. Identifiers: Orphanet 610, MedGen CN029274, MONDO:0024530, OMIM 158810.

Submission:

Labcorp Genetics (formerly Invitae), Labcorp
Classification: Pathogenic for Bethlem myopathy 1A. Last evaluated: 2021-01-29. Review status: criteria provided, single submitter. Criteria: Invitae Variant Classification Sherloc (09022015). Collection method: clinical testing. Allele origin: germline.
Comment: For these reasons, this variant has been classified as Pathogenic. This sequence change creates a premature translational stop signal (p.His3055Leufs*39) in the COL6A3 gene. It is expected to result in an absent or disrupted protein product. Loss-of-function variants in COL6A3 are known to be pathogenic (PMID: 26004199). This variant is not present in population databases (ExAC no frequency). This variant has not been reported in the literature in individuals with COL6A3-related conditions.

Literature cited by the submitters: PubMed 26004199.